The following is an entry in ClinVar:

ClinVar aggregate classification (germline): Uncertain significance (1 of 4 stars; one submission).

Conditions:
Succinate-semialdehyde dehydrogenase deficiency (SSADHD). Also called: 4-HYDROXYBUTYRIC ACIDURIA; GABA METABOLIC DEFECT; SSADH DEFICIENCY; Succinic Semialdehyde Dehydrogenase Deficiency. Identifiers: Orphanet 22, MedGen C0268631, MONDO:0010083, OMIM 271980.

Submission:

Labcorp Genetics (formerly Invitae), Labcorp
Classification: Uncertain significance for Succinate-semialdehyde dehydrogenase deficiency. Last evaluated: 2022-07-12. Review status: criteria provided, single submitter. Criteria: Invitae Variant Classification Sherloc (09022015). Collection method: clinical testing. Allele origin: germline.
Comment: This variant is not present in population databases (gnomAD no frequency). This sequence change replaces threonine, which is neutral and polar, with alanine, which is neutral and non-polar, at codon 451 of the ALDH5A1 protein (p.Thr451Ala). This variant has not been reported in the literature in individuals affected with ALDH5A1-related conditions. Advanced modeling of protein sequence and biophysical properties (such as structural, functional, and spatial information, amino acid conservation, physicochemical variation, residue mobility, and thermodynamic stability) performed at Invitae indicates that this missense variant is not expected to disrupt ALDH5A1 protein function. In summary, the available evidence is currently insufficient to determine the role of this variant in disease. Therefore, it has been classified as a Variant of Uncertain Significance.

NM_001080.3(ALDH5A1):c.1351A>G (p.Thr451Ala)

Gene: ALDH5A1 (aldehyde dehydrogenase 5 family member A1; plus strand). Cytogenetic location: 6p22.3.
Variant type: single nucleotide variant.
Coding change: c.1351A>G on transcript NM_001080.3 (MANE Select); coding-DNA position 1351, A replaced by G.
Protein change: p.Thr451Ala; replaces threonine 451 with alanine.
Molecular consequence: missense variant.
Genome position (GRCh38, 1-based): chr6:24,532,126, A>G. VCF-style: chr6-24532126-A-G. GRCh37 (hg19) VCF-style: chr6-24532354-A-G.
Other names: c.1207A>G, p.Thr403Ala (NM_001368954.1); c.1390A>G, p.Thr464Ala (NM_170740.1); short protein forms T451A, T403A, T464A.
Identifiers: ClinVar variation 1961518 (VCV001961518.5), dbSNP rs946447060, ClinGen allele CA136113031.